The following is an entry in ClinVar:

NM_001939.3(DRP2):c.1321G>A (p.Val441Met)

Gene: DRP2 (dystrophin related protein 2; plus strand). Cytogenetic location: Xq22.1.
Variant type: single nucleotide variant.
Coding change: c.1321G>A on transcript NM_001939.3 (MANE Select); coding-DNA position 1321, G replaced by A.
Protein change: p.Val441Met; replaces valine 441 with methionine.
Molecular consequence: missense variant.
Genome position (GRCh38, 1-based): chrX:101,248,157, G>A. VCF-style: chrX-101248157-G-A. GRCh37 (hg19) VCF-style: chrX-100503146-G-A.
Other names: c.1087G>A, p.Val363Met (NM_001171184.2); short protein forms V441M, V363M.
Identifiers: ClinVar variation 2171842 (VCV002171842.26), dbSNP rs144870744, ClinGen allele CA10472252.

ClinVar aggregate classification (germline): Likely benign. Review status: criteria provided, multiple submitters, no conflicts (2 of 4 stars). 2 submissions from 2 submitters: Likely benign (2). Last evaluated 2025-12-06.

Allele frequency attached by ClinVar (database versions not stated): gnomAD exomes 0.00011; gnomAD 0.00012; TOPMed 0.00022; ExAC 0.00026; 1000 Genomes Project 30x 0.00062; 1000 Genomes Project 0.00079.
gnomAD v4.1: 135 of 1,209,933 alleles (0.011%); highest among the groups gnomAD compares: East Asian, 0.33%; 1 homozygote.

Submissions (2):

Labcorp Genetics (formerly Invitae), Labcorp
Classification: Likely benign. Last evaluated: 2025-12-06. Review status: criteria provided, single submitter. Criteria: Invitae Variant Classification Sherloc (09022015). Collection method: clinical testing. Allele origin: germline.

CeGaT Center for Human Genetics Tuebingen
Classification: Likely benign. Last evaluated: 2024-01-01. Review status: criteria provided, single submitter. Criteria: CeGaT Center For Human Genetics Tuebingen Variant Classification Criteria Version 2. Collection method: clinical testing. Allele origin: germline. Affected: yes. Observed: 1 variant allele.
Comment: DRP2: BS2